The following is an entry in ClinVar:

NM_000334.4(SCN4A):c.4297C>T (p.Leu1433Phe)

Genes: GH-LCR (growth hormone locus control region; plus strand), SCN4A (sodium voltage-gated channel alpha subunit 4; minus strand). Cytogenetic location: 17q23.3.
Variant type: single nucleotide variant.
Coding change: c.4297C>T on transcript NM_000334.4 (MANE Select); coding-DNA position 4297, C replaced by T.
Protein change: p.Leu1433Phe; replaces leucine 1433 with phenylalanine.
Molecular consequence: missense variant.
Genome position (GRCh38, 1-based): chr17:63,941,985, G>A on the plus strand (C>T on the coding strand, the complement: SCN4A is on the minus strand). VCF-style: chr17-63941985-G-A. GRCh37 (hg19) VCF-style: chr17-62019345-G-A.
Other names: short protein forms L1433F.
Identifiers: ClinVar variation 1807331 (VCV001807331.5), dbSNP rs2509285435, ClinGen allele CA400616283.

ClinVar aggregate classification (germline): Uncertain significance. Review status: criteria provided, multiple submitters, no conflicts (2 of 4 stars). 3 submissions from 3 submitters: Uncertain significance (3). Last evaluated 2025-10-17.

Conditions:
Hyperkalemic periodic paralysis. Also called: Familial hyperkalemic periodic paralysis; Gamstorp disease. Identifiers: Orphanet 682, MedGen C0238357, MONDO:0008224, OMIM 170500, HP:0007215.

Submissions (3):

Athena Diagnostics
Classification: Uncertain significance. Last evaluated: 2025-10-17. Review status: criteria provided, single submitter. Criteria: Athena Diagnostics Criteria. Collection method: clinical testing. Allele origin: unknown.
Comment: Available data are insufficient to determine the clinical significance of the variant at this time. This variant has not been reported in large, multi-ethnic general populations. This variant has been identified in at least one individual with clinical features associated with this gene. Polyphen and MutationTaster predict this amino acid change may be damaging to the protein.

GeneDx
Classification: Uncertain significance. Last evaluated: 2024-09-11. Review status: criteria provided, single submitter. Criteria: GeneDx Variant Classification Process June 2021. Collection method: clinical testing. Allele origin: germline. Affected: yes.
Comment: Reported previously in two patients from one family with a skeletal muscle channelopathy; however, no further clinical or segregation information was provided (PMID: 29606556); In silico analysis supports that this missense variant has a deleterious effect on protein structure/function; Not observed at significant frequency in large population cohorts (gnomAD); This variant is associated with the following publications: (PMID: 29606556)

Labcorp Genetics (formerly Invitae), Labcorp
Classification: Uncertain significance for Hyperkalemic periodic paralysis. Last evaluated: 2024-06-06. Review status: criteria provided, single submitter. Criteria: Invitae Variant Classification Sherloc (09022015). Collection method: clinical testing. Allele origin: germline.
Comment: This sequence change replaces leucine, which is neutral and non-polar, with phenylalanine, which is neutral and non-polar, at codon 1433 of the SCN4A protein (p.Leu1433Phe). This variant is not present in population databases (gnomAD no frequency). This missense change has been observed in individuals with clinical features of paramyotonia congenita (PMID: 29606556; Invitae). ClinVar contains an entry for this variant (Variation ID: 1807331). Advanced modeling of protein sequence and biophysical properties (such as structural, functional, and spatial information, amino acid conservation, physicochemical variation, residue mobility, and thermodynamic stability) has been performed at Invitae for this missense variant, however the output from this modeling did not meet the statistical confidence thresholds required to predict the impact of this variant on SCN4A protein function. This variant disrupts the p.Leu1433 amino acid residue in SCN4A. Other variant(s) that disrupt this residue have been observed in individuals with SCN4A-related conditions (PMID: 8388676), which suggests that this may be a clinically significant amino acid residue. In summary, the available evidence is currently insufficient to determine the role of this variant in disease. Therefore, it has been classified as a Variant of Uncertain Significance.

Literature cited by the submitters: PubMed 29606556 (cited by Athena Diagnostics and Labcorp Genetics (formerly Invitae), Labcorp); PubMed 8388676 (cited by Labcorp Genetics (formerly Invitae), Labcorp).